The following is an entry in ClinVar:

ClinVar aggregate classification (germline): Uncertain significance. Review status: criteria provided, multiple submitters, no conflicts (2 of 4 stars). 2 submissions from 2 submitters: Uncertain significance (2). Last evaluated 2024-10-08.

Conditions:
Inborn genetic diseases. Identifiers: MedGen C0950123, MeSH D030342.

Allele frequency attached by ClinVar (database versions not stated): ExAC 0.00001; gnomAD 0.00002; gnomAD exomes 0.00002; TOPMed 0.00003.
gnomAD v4.1: 40 of 1,578,794 alleles (0.0025%); highest among the groups gnomAD compares: Non-Finnish European, 0.001%; no homozygotes.

Submissions (2):

Ambry Genetics
Classification: Uncertain significance for Inborn genetic diseases. Last evaluated: 2024-10-08. Review status: criteria provided, single submitter. Criteria: Ambry Variant Classification Scheme 2023. Collection method: clinical testing. Allele origin: germline.

Labcorp Genetics (formerly Invitae), Labcorp
Classification: Uncertain significance. Last evaluated: 2022-07-04. Review status: criteria provided, single submitter. Criteria: Invitae Variant Classification Sherloc (09022015). Collection method: clinical testing. Allele origin: germline.
Comment: In summary, the available evidence is currently insufficient to determine the role of this variant in disease. Therefore, it has been classified as a Variant of Uncertain Significance. This sequence change replaces arginine, which is basic and polar, with glycine, which is neutral and non-polar, at codon 700 of the VARS2 protein (p.Arg700Gly). This variant is present in population databases (rs770145709, gnomAD 0.07%). This variant has not been reported in the literature in individuals affected with VARS2-related conditions. Algorithms developed to predict the effect of missense changes on protein structure and function are either unavailable or do not agree on the potential impact of this missense change (SIFT: "Deleterious"; PolyPhen-2: "Possibly Damaging"; Align-GVGD: "Class C0").

NM_020442.6(VARS2):c.2008A>G (p.Arg670Gly)

Genes: VARS2 (valyl-tRNA synthetase 2, mitochondrial; plus strand), LOC126859646 (MED14-independent group 3 enhancer GRCh37_chr6:30889690-30890889; plus strand). Cytogenetic location: 6p21.33.
Variant type: single nucleotide variant.
Coding change: c.2008A>G on transcript NM_020442.6 (MANE Select); coding-DNA position 2008, A replaced by G.
Protein change: p.Arg670Gly; replaces arginine 670 with glycine.
Molecular consequence: missense variant.
Genome position (GRCh38, 1-based): chr6:30,922,525, A>G. VCF-style: chr6-30922525-A-G. GRCh37 (hg19) VCF-style: chr6-30890302-A-G.
Other names: c.2098A>G (NM_001167734.1); c.1588A>G, p.Arg530Gly (NM_001167733.3); c.2098A>G, p.Arg700Gly (NM_001167734.2); short protein forms R670G, R700G, R530G.
Identifiers: ClinVar variation 1925228 (VCV001925228.6), dbSNP rs770145709, ClinGen allele CA3706120.